The following is an entry in ClinVar:

ClinVar aggregate classification (germline): Likely benign. Review status: criteria provided, multiple submitters, no conflicts (2 of 4 stars). 3 submissions from 3 submitters: Likely benign (2). 1 of the submissions does not count toward it. Last evaluated 2025-01-22.

Conditions:
MASP1-related disorder. Also called: MASP1-related condition.
3MC syndrome 1. Also called: CRANIOSYNOSTOSIS WITH LID ANOMALIES; OCULOPALATOSKELETAL SYNDROME; MICHELS SYNDROME. Identifiers: Orphanet 293843, MedGen C0796059, MONDO:0009770, OMIM 257920.

Allele frequency attached by ClinVar (database versions not stated): ExAC 0.00004; gnomAD exomes 0.00005 and 0.00013; TOPMed 0.00009; gnomAD 0.00011 and 0.00012.
gnomAD v4.1: 197 of 1,614,092 alleles (0.012%); highest among the groups gnomAD compares: Non-Finnish European, 0.016%; no homozygotes.

Submissions (3):

Labcorp Genetics (formerly Invitae), Labcorp
Classification: Likely benign for 3MC syndrome 1. Last evaluated: 2025-01-22. Review status: criteria provided, single submitter. Criteria: Invitae Variant Classification Sherloc (09022015). Collection method: clinical testing. Allele origin: germline.

Blueprint Genetics
Classification: Likely benign. Last evaluated: 2024-08-01. Review status: criteria provided, single submitter. Criteria: ACMG Guidelines, 2015. Collection method: clinical testing. Allele origin: germline.

PreventionGenetics, part of Exact Sciences
Classification: Likely benign for MASP1-related condition. Last evaluated: 2024-05-29. Review status: no assertion criteria provided. Collection method: clinical testing. Allele origin: germline. Not counted in ClinVar's aggregate classification.
Comment: This variant is classified as likely benign based on ACMG/AMP sequence variant interpretation guidelines (Richards et al. 2015 PMID: 25741868, with internal and published modifications).

NM_139125.4(MASP1):c.1869C>T (p.Pro623=)

Gene: MASP1 (MBL associated serine protease 1; minus strand). Cytogenetic location: 3q27.3.
Variant type: single nucleotide variant.
Coding change: c.1869C>T on transcript NM_139125.4 (MANE Select); coding-DNA position 1869, C replaced by T.
Protein change: p.Pro623=; no amino-acid change (proline 623 retained).
Molecular consequence: synonymous variant. On other transcripts: non-coding transcript variant (1), intron variant (1).
Genome position (GRCh38, 1-based): chr3:187,236,002, G>A on the plus strand (C>T on the coding strand, the complement: MASP1 is on the minus strand). VCF-style: chr3-187236002-G-A. GRCh37 (hg19) VCF-style: chr3-186953790-G-A.
Other names: c.1303+5479C>T (NM_001879.6).
Identifiers: ClinVar variation 707615 (VCV000707615.9), dbSNP rs775726494, ClinGen allele CA2749163.